The following is an entry in ClinVar:

NM_198904.4(GABRG2):c.1236C>T (p.Tyr412=)

Gene: GABRG2 (gamma-aminobutyric acid type A receptor subunit gamma2; plus strand). Cytogenetic location: 5q34.
Variant type: single nucleotide variant.
Coding change: c.1236C>T on transcript NM_198904.4 (MANE Select); coding-DNA position 1236, C replaced by T.
Protein change: p.Tyr412=; no amino-acid change (tyrosine 412 retained).
Molecular consequence: synonymous variant. On other transcripts: 3 prime UTR variant (1).
Genome position (GRCh38, 1-based): chr5:162,153,176, C>T. VCF-style: chr5-162153176-C-T. GRCh37 (hg19) VCF-style: chr5-161580182-C-T.
Other names: p.Y404Y:TAC>TAT; c.1212C>T, p.Tyr404= (NM_000816.3); c.1227C>T, p.Tyr409= (NM_001375339.1); c.*70C>T (NM_001375340.1); c.1233C>T, p.Tyr411= (NM_001375341.1); c.1209C>T, p.Tyr403= (NM_001375342.1); c.1332C>T, p.Tyr444= (NM_001375343.1); c.1275C>T, p.Tyr425= (NM_001375344.1); and 7 more.
Identifiers: ClinVar variation 205534 (VCV000205534.53), dbSNP rs749951528, ClinGen allele CA314695.

ClinVar aggregate classification (germline): Conflicting classifications of pathogenicity. Review status: criteria provided, conflicting classifications (1 of 4 stars). 7 submissions from 7 submitters: Uncertain significance (1); Benign (1); Likely benign (4). 1 of the submissions does not count toward it. Last evaluated 2026-01-12.

Conditions:
GABRG2-related disorder. Also called: GABRG2-related condition.
Inborn genetic diseases. Identifiers: MedGen C0950123, MeSH D030342.
EPILEPSY, CHILDHOOD ABSENCE, SUSCEPTIBILITY TO, 2 (ECA2). Identifiers: Orphanet 64280, MedGen C1843244, OMIM 607681.
Febrile seizures, familial, 8 (FEB8). Also called: CONVULSIONS, FAMILIAL FEBRILE, 8. Identifiers: Orphanet 36387, MedGen C1969810, MONDO:0011891, OMIM 607681.

Allele frequency attached by ClinVar (database versions not stated): gnomAD exomes 0.00011 and 0.00016; ExAC 0.00014; TOPMed 0.00014; gnomAD 0.00017 and 0.00018.
gnomAD v4.1: 253 of 1,613,916 alleles (0.016%); highest among the groups gnomAD compares: Middle Eastern, 0.033%; no homozygotes.

Submissions (7):

Labcorp Genetics (formerly Invitae), Labcorp
Classification: Likely benign for Febrile seizures, familial, 8; EPILEPSY, CHILDHOOD ABSENCE, SUSCEPTIBILITY TO, 2. Last evaluated: 2026-01-12. Review status: criteria provided, single submitter. Criteria: Invitae Variant Classification Sherloc (09022015). Collection method: clinical testing. Allele origin: germline.

CeGaT Center for Human Genetics Tuebingen
Classification: Likely benign. Last evaluated: 2023-03-01. Review status: criteria provided, single submitter. Criteria: CeGaT Center For Human Genetics Tuebingen Variant Classification Criteria Version 2. Collection method: clinical testing. Allele origin: germline. Affected: yes. Observed: 2 variant alleles.
Comment: GABRG2: BP4, BP7

Blueprint Genetics
Classification: Likely benign. Last evaluated: 2022-11-15. Review status: criteria provided, single submitter. Criteria: ACMG Guidelines, 2015. Collection method: clinical testing. Allele origin: germline.

Ambry Genetics
Classification: Likely benign for Inborn genetic diseases. Last evaluated: 2018-07-17. Review status: criteria provided, single submitter. Criteria: Ambry Variant Classification Scheme 2023. Collection method: clinical testing. Allele origin: germline.

Illumina Laboratory Services, Illumina
Classification: Uncertain significance for Febrile seizures, familial, 8. Last evaluated: 2018-01-13. Review status: criteria provided, single submitter. Criteria: ICSL Variant Classification Criteria 13 December 2019. Collection method: clinical testing. Allele origin: germline.

GeneDx
Classification: Benign. Last evaluated: 2014-06-17. Review status: criteria provided, single submitter. Criteria: GeneDx Variant Classification (06012015). Collection method: clinical testing. Allele origin: germline. Affected: yes.
Comment: This variant is considered likely benign or benign based on one or more of the following criteria: it is a conservative change, it occurs at a poorly conserved position in the protein, it is predicted to be benign by multiple in silico algorithms, and/or has population frequency not consistent with disease.

PreventionGenetics, part of Exact Sciences
Classification: Likely benign for GABRG2-related condition. Last evaluated: 2019-04-29. Review status: no assertion criteria provided. Collection method: clinical testing. Allele origin: germline. Not counted in ClinVar's aggregate classification.
Comment: This variant is classified as likely benign based on ACMG/AMP sequence variant interpretation guidelines (Richards et al. 2015 PMID: 25741868, with internal and published modifications).